The following is an entry in ClinVar:

NM_001371623.1(TCOF1):c.713C>T (p.Ala238Val)

Gene: TCOF1 (treacle ribosome biogenesis factor 1; plus strand). Cytogenetic location: 5q32.
Variant type: single nucleotide variant.
Coding change: c.713C>T on transcript NM_001371623.1 (MANE Select); coding-DNA position 713, C replaced by T.
Protein change: p.Ala238Val; replaces alanine 238 with valine.
Molecular consequence: missense variant. On other transcripts: intron variant (3).
Genome position (GRCh38, 1-based): chr5:150,372,079, C>T. VCF-style: chr5-150372079-C-T. GRCh37 (hg19) VCF-style: chr5-149751642-C-T.
Other names: c.713C>T, p.Ala238Val (NM_001008657.3, NM_001135243.2, NM_001135244.2 and 1 more transcripts); c.640-2095C>T (NM_001437406.1, NM_001135245.2, NM_000356.4); short protein forms A238V.
Identifiers: ClinVar variation 4988097 (VCV004988097.1).

ClinVar aggregate classification (germline): Likely benign (1 of 4 stars; one submission).

Conditions:
TCOF1-related disorder. Also called: TCOF1-related condition.

Submission:

PreventionGenetics, part of Exact Sciences
Classification: Likely benign for TCOF1-related condition. Last evaluated: 2026-08-07. Review status: criteria provided, single submitter. Criteria: ACMG Guidelines, 2015. Collection method: clinical testing. Allele origin: germline.
Comment: This variant is classified as likely benign based on ACMG/AMP sequence variant interpretation guidelines (Richards et al. 2015 PMID: 25741868, with internal and published modifications).